The following is an entry in ClinVar:

NM_206933.4(USH2A):c.2983C>T (p.Gln995Ter)

Genes: USH2A (usherin; minus strand), USH2A-AS1 (USH2A antisense RNA 1; plus strand). Cytogenetic location: 1q41.
Variant type: single nucleotide variant.
Coding change: c.2983C>T on transcript NM_206933.4 (MANE Select); coding-DNA position 2983, C replaced by T.
Protein change: p.Gln995Ter; replaces glutamine 995 with a stop codon.
Molecular consequence: nonsense.
Genome position (GRCh38, 1-based): chr1:216,231,963, G>A on the plus strand (C>T on the coding strand, the complement: USH2A is on the minus strand). VCF-style: chr1-216231963-G-A. GRCh37 (hg19) VCF-style: chr1-216405305-G-A.
Other names: c.2983C>T, p.Gln995Ter (NM_007123.6); short protein forms Q995*.
Identifiers: ClinVar variation 143180 (VCV000143180.2), dbSNP rs527236135, ClinGen allele CA270154.

ClinVar aggregate classification (germline): Pathogenic (0 of 4 stars; one submission).

Conditions:
Usher syndrome type 2A. Also called: RETINAL DISEASE IN USHER SYNDROME TYPE IIA, MODIFIER OF; USHER SYNDROME, TYPE IIA. Identifiers: Orphanet 231178, Orphanet 886, MedGen C1848634, MONDO:0010169, OMIM 276901.

Allele frequency attached by ClinVar (database versions not stated): gnomAD exomes below 0.00001.
gnomAD v4.1: 1 of 1,613,986 alleles (0.000062%); highest among the groups gnomAD compares: African/African-American, 0.0013%; no homozygotes.

Submission:

Department of Ophthalmology and Visual Sciences Kyoto University
Classification: Pathogenic for Usher syndrome, type 2A. Review status: no assertion criteria provided. Collection method: not provided. Allele origin: unknown.
ClinVar note: Converted during submission from pathogenic to Pathogenic.